The following is an entry in ClinVar:

ClinVar aggregate classification (germline): Uncertain significance. Review status: criteria provided, multiple submitters, no conflicts (2 of 4 stars). 2 submissions from 2 submitters: Uncertain significance (2). Last evaluated 2024-09-22.

Conditions:
Autosomal recessive severe congenital neutropenia due to G6PC3 deficiency. Also called: NEUTROPENIA, SEVERE CONGENITAL, 4, AUTOSOMAL RECESSIVE; G6PC3 Deficiency. Identifiers: Orphanet 331176, MedGen C2751630, MONDO:0012930, OMIM 612541.

Allele frequency attached by ClinVar (database versions not stated): gnomAD 0.00001; gnomAD exomes below 0.00001 and 0.00001; TOPMed 0.00001.

Submissions (2):

Genomic Medicine Center of Excellence, King Faisal Specialist Hospital and Research Centre
Classification: Uncertain significance for Autosomal recessive severe congenital neutropenia due to G6PC3 deficiency. Last evaluated: 2024-09-22. Review status: criteria provided, single submitter. Criteria: ACMG Guidelines, 2015. Collection method: clinical testing. Allele origin: germline.

Labcorp Genetics (formerly Invitae), Labcorp
Classification: Uncertain significance for Autosomal recessive severe congenital neutropenia due to G6PC3 deficiency. Last evaluated: 2018-10-04. Review status: criteria provided, single submitter. Criteria: Invitae Variant Classification Sherloc (09022015). Collection method: clinical testing. Allele origin: germline.
Comment: Algorithms developed to predict the effect of missense changes on protein structure and function (SIFT, PolyPhen-2, Align-GVGD) all suggest that this variant is likely to be disruptive, but these predictions have not been confirmed by published functional studies and their clinical significance is uncertain. This sequence change replaces serine with leucine at codon 160 of the G6PC3 protein (p.Ser160Leu). The serine residue is highly conserved and there is a large physicochemical difference between serine and leucine. This variant is not present in population databases (ExAC no frequency). This variant has not been reported in the literature in individuals with G6PC3-related disease. In summary, the available evidence is currently insufficient to determine the role of this variant in disease. Therefore, it has been classified as a Variant of Uncertain Significance.

NM_138387.4(G6PC3):c.479C>T (p.Ser160Leu)

Gene: G6PC3 (glucose-6-phosphatase catalytic subunit 3; plus strand). Cytogenetic location: 17q21.31.
Variant type: single nucleotide variant.
Coding change: c.479C>T on transcript NM_138387.4 (MANE Select); coding-DNA position 479, C replaced by T.
Protein change: p.Ser160Leu; replaces serine 160 with leucine.
Molecular consequence: missense variant. On other transcripts: intron variant (1).
Genome position (GRCh38, 1-based): chr17:44,075,031, C>T. VCF-style: chr17-44075031-C-T. GRCh37 (hg19) VCF-style: chr17-42152399-C-T.
Other names: c.134C>T, p.Ser45Leu (NM_001384165.1, NM_001384166.1, NM_001384167.1 and 1 more transcripts); c.416+261C>T (NM_001319945.2); short protein forms S160L, S45L.
Identifiers: ClinVar variation 651897 (VCV000651897.9), dbSNP rs911423195, ClinGen allele CA290850621.
Genomic context (GRCh38, chr17:44,075,031, plus strand): 5'-GCTGGGTAAGGGTGATGCCTAGCCTGGCTTATTGCACCTTCCTTTTGGCGGTTGGCTTGT[C>T]GCGAATCTTCATCTTAGCACATTTCCCTCACCAGGTGCTGGCTGGCCTAATAACTGGTGA-3'
Protein context (NP_612396.1, residues 150-170): YCTFLLAVGL[Ser160Leu]RIFILAHFPH